The following is an entry in ClinVar:

NM_000384.3(APOB):c.8609G>A (p.Ser2870Asn)

Gene: APOB (apolipoprotein B; minus strand). Cytogenetic location: 2p24.1.
Variant type: single nucleotide variant.
Coding change: c.8609G>A on transcript NM_000384.3 (MANE Select); coding-DNA position 8609, G replaced by A.
Protein change: p.Ser2870Asn; replaces serine 2870 with asparagine.
Molecular consequence: missense variant.
Genome position (GRCh38, 1-based): chr2:21,008,259, C>T on the plus strand (G>A on the coding strand, the complement: APOB is on the minus strand). VCF-style: chr2-21008259-C-T. GRCh37 (hg19) VCF-style: chr2-21231131-C-T.
Other names: short protein forms S2870N.
Identifiers: ClinVar variation 4125304 (VCV004125304.1), dbSNP rs1663206052.

ClinVar aggregate classification (germline): Uncertain significance (1 of 4 stars; one submission).

Conditions:
Cardiovascular phenotype. Identifiers: MedGen CN230736.

Submission:

Ambry Genetics
Classification: Uncertain significance for Cardiovascular phenotype. Last evaluated: 2025-08-24. Review status: criteria provided, single submitter. Criteria: Ambry Variant Classification Scheme 2023. Collection method: clinical testing. Allele origin: germline.
Comment: The p.S2870N variant (also known as c.8609G>A), located in coding exon 26 of the APOB gene, results from a G to A substitution at nucleotide position 8609. The serine at codon 2870 is replaced by asparagine, an amino acid with highly similar properties. This amino acid position is conserved. In addition, this alteration is predicted to be tolerated by in silico analysis. Based on the available evidence, the clinical significance of this variant remains unclear.